The following is an entry in ClinVar:

NM_001144967.3(NEDD4L):c.2569G>A (p.Asp857Asn)

Gene: NEDD4L (NEDD4 like E3 ubiquitin protein ligase; plus strand). Cytogenetic location: 18q21.31.
Variant type: single nucleotide variant.
Coding change: c.2569G>A on transcript NM_001144967.3 (MANE Select); coding-DNA position 2569, G replaced by A.
Protein change: p.Asp857Asn; replaces aspartic acid 857 with asparagine.
Molecular consequence: missense variant.
Genome position (GRCh38, 1-based): chr18:58,389,106, G>A. VCF-style: chr18-58389106-G-A. GRCh37 (hg19) VCF-style: chr18-56056338-G-A.
Other names: c.3406G>A, p.Asp1136Asn (NM_001437337.1); c.2509G>A, p.Asp837Asn (NM_015277.6); c.2206G>A, p.Asp736Asn (NM_001144964.1, NM_001144965.2, NM_001144966.3); c.2545G>A, p.Asp849Asn (NM_001144968.2); c.2485G>A, p.Asp829Asn (NM_001144969.2); c.2146G>A, p.Asp716Asn (NM_001144970.3, NM_001144971.2); c.2377G>A, p.Asp793Asn (NM_001243960.2); short protein forms D1136N, D716N, D837N, D736N, D793N, D857N, D829N, D849N.
Identifiers: ClinVar variation 4763255 (VCV004763255.1).

ClinVar aggregate classification (germline): Uncertain significance (1 of 4 stars; one submission).

Submission:

Labcorp Genetics (formerly Invitae), Labcorp
Classification: Uncertain significance. Last evaluated: 2025-11-25. Review status: criteria provided, single submitter. Criteria: Invitae Variant Classification Sherloc (09022015). Collection method: clinical testing. Allele origin: germline.
Comment: This sequence change replaces aspartic acid, which is acidic and polar, with asparagine, which is neutral and polar, at codon 837 of the NEDD4L protein (p.Asp837Asn). This variant is not present in population databases (gnomAD no frequency). This variant has not been reported in the literature in individuals affected with NEDD4L-related conditions. Invitae Evidence Modeling of protein sequence and biophysical properties (such as structural, functional, and spatial information, amino acid conservation, physicochemical variation, residue mobility, and thermodynamic stability) indicates that this missense variant is not expected to disrupt NEDD4L protein function with a negative predictive value of 80%. In summary, the available evidence is currently insufficient to determine the role of this variant in disease. Therefore, it has been classified as a Variant of Uncertain Significance.